The following is an entry in ClinVar:

ClinVar aggregate classification (germline): Uncertain significance (1 of 4 stars; one submission).

Conditions:
Chédiak-Higashi syndrome (CHS). Also called: Chediak-Higashi Syndrome. Identifiers: Orphanet 167, MedGen C0007965, MONDO:0008963, OMIM 214500.

Allele frequency attached by ClinVar (database versions not stated): gnomAD exomes below 0.00001; TOPMed below 0.00001; gnomAD 0.00001.
gnomAD v4.1: 6 of 1,610,628 alleles (0.00037%); highest among the groups gnomAD compares: Non-Finnish European, 0.00042%; no homozygotes.

Submission:

Labcorp Genetics (formerly Invitae), Labcorp
Classification: Uncertain significance for Chédiak-Higashi syndrome. Last evaluated: 2022-03-18. Review status: criteria provided, single submitter. Criteria: Invitae Variant Classification Sherloc (09022015). Collection method: clinical testing. Allele origin: germline.
Comment: This sequence change replaces threonine, which is neutral and polar, with isoleucine, which is neutral and non-polar, at codon 118 of the LYST protein (p.Thr118Ile). This variant is present in population databases (no rsID available, gnomAD no frequency). This variant has not been reported in the literature in individuals affected with LYST-related conditions. Algorithms developed to predict the effect of missense changes on protein structure and function (SIFT, PolyPhen-2, Align-GVGD) all suggest that this variant is likely to be tolerated. In summary, the available evidence is currently insufficient to determine the role of this variant in disease. Therefore, it has been classified as a Variant of Uncertain Significance.

NM_000081.4(LYST):c.353C>T (p.Thr118Ile)

Gene: LYST (lysosomal trafficking regulator; minus strand). Cytogenetic location: 1q42.3.
Variant type: single nucleotide variant.
Coding change: c.353C>T on transcript NM_000081.4 (MANE Select); coding-DNA position 353, C replaced by T.
Protein change: p.Thr118Ile; replaces threonine 118 with isoleucine.
Molecular consequence: missense variant.
Genome position (GRCh38, 1-based): chr1:235,810,465, G>A on the plus strand (C>T on the coding strand, the complement: LYST is on the minus strand). VCF-style: chr1-235810465-G-A. GRCh37 (hg19) VCF-style: chr1-235973765-G-A.
Other names: c.353C>T, p.Thr118Ile (NM_001301365.1); short protein forms T118I.
Identifiers: ClinVar variation 2143274 (VCV002143274.1), dbSNP rs1475563507, ClinGen allele CA344965396.
Genomic context (GRCh38, chr1:235,810,465, plus strand): 5'-TTTACTTTTGCAGAAACCTGACTAGACAGGGCACTTCCTTCTAAATGTAATTTTTCCTGA[G>A]TGGATCTTTGTGAACTTGAGTTCTTTTCTTTGGTCAGGATTATATCTGCTGAGAGCGGTA-3'
Protein context (NP_000072.2, residues 108-128): KEKNSSSQRS[Thr118Ile]QEKLHLEGSA